The following is an entry in ClinVar:

ClinVar aggregate classification (germline): Conflicting classifications of pathogenicity. Review status: criteria provided, conflicting classifications (1 of 4 stars). 9 submissions from 9 submitters: Uncertain significance (6); Likely benign (1). 2 of the submissions do not count toward it. Last evaluated 2026-06-20.

Conditions:
PCDH15-related disorder. Also called: PCDH15-related disorders; PCDH15-related condition.
Usher syndrome type 1 (USH1). Also called: RETINITIS PIGMENTOSA AND CONGENITAL DEAFNESS. Identifiers: Orphanet 231169, Orphanet 886, MedGen C1568247, MONDO:0010168, OMIM 276900.

Submissions (9):

PreventionGenetics, part of Exact Sciences
Classification: Uncertain significance for PCDH15-related condition. Last evaluated: 2026-06-20. Review status: criteria provided, single submitter. Criteria: ACMG Guidelines, 2015. Collection method: clinical testing. Allele origin: germline.
Comment: The PCDH15 c.5296_5304dup9 variant is predicted to result in an in-frame duplication (p.Ala1766_Pro1768dup). This variant was reported in heterozygous in an individual with Leber congenital amaurosis (Table S2, Bravo-Gil et al. 2017. PubMed ID: 28157192). This variant is reported in 0.046% of alleles in individuals of Latino descent in gnomAD. At this time, the clinical significance of this variant is uncertain due to the absence of conclusive functional and genetic evidence.

GeneDx
Classification: Uncertain significance. Last evaluated: 2025-06-23. Review status: criteria provided, single submitter. Criteria: GeneDx Variant Classification Process June 2021. Collection method: clinical testing. Allele origin: germline.
Comment: Identified in a patient with unilateral hearing loss who also harbored a variant in the MARVELD2 gene (PMID: 34515852); In-frame duplication of 3 amino acids in a non-repeat region; This variant is associated with the following publications: (PMID: 34515852, 28157192)

Labcorp Genetics (formerly Invitae), Labcorp
Classification: Uncertain significance. Last evaluated: 2025-01-06. Review status: criteria provided, single submitter. Criteria: Invitae Variant Classification Sherloc (09022015). Collection method: clinical testing. Allele origin: germline.
Comment: This variant, c.5296_5304dup, results in the insertion of 3 amino acid(s) of the PCDH15 protein (p.Ala1766_Pro1768dup), but otherwise preserves the integrity of the reading frame. The frequency data for this variant in the population databases is considered unreliable, as metrics indicate poor data quality at this position in the gnomAD database. This variant has not been reported in the literature in individuals affected with PCDH15-related conditions. ClinVar contains an entry for this variant (Variation ID: 46494). Experimental studies and prediction algorithms are not available or were not evaluated, and the functional significance of this variant is currently unknown. In summary, the available evidence is currently insufficient to determine the role of this variant in disease. Therefore, it has been classified as a Variant of Uncertain Significance.

Blueprint Genetics
Classification: Uncertain significance. Last evaluated: 2024-11-25. Review status: criteria provided, single submitter. Criteria: ACMG Guidelines, 2015. Collection method: clinical testing. Allele origin: germline.

Department of Pathology and Laboratory Medicine, Sinai Health System
Classification: Uncertain significance for Usher syndrome type 1. Last evaluated: 2021-07-30. Review status: criteria provided, single submitter. Criteria: ACMG Guidelines, 2015. Collection method: research. Allele origin: germline.

Eurofins Ntd Llc (ga)
Classification: Uncertain significance. Last evaluated: 2018-07-18. Review status: criteria provided, single submitter. Criteria: EGL ClinVar v180209 classification definitions. Collection method: clinical testing. Allele origin: germline. Observed: 1 variant allele, 1 heterozygote.

Laboratory for Molecular Medicine, Mass General Brigham Personalized Medicine
Classification: Likely benign. Last evaluated: 2017-03-29. Review status: criteria provided, single submitter. Criteria: LMM Criteria. Collection method: clinical testing. Allele origin: germline. Observed: 2 variant alleles.
Comment: c.5296_5304dupGCTCCTCCT (p.Ala1766_Pro1768dup) in exon 33 of PCDH15: This varian t is a duplication of 9 bases at position c.5296 in the last exon of gene (exon 33) and is not predicted to alter the protein reading-frame. Although the possib le impact of this on protein function is unknown; several nearby inframe deleti ons and duplications have been identified in large population databases, and thi s exon 33 has been reported to be tolerant to variation, including loss of funct ion variants (Perreault-Micale 2014). The variant has also been identified in 13 /28846 of Latino chromosomes by the Genome Aggregation Database (gnomAD; dbSNP rs397517466). In summary, these data suggest th at the variant is likely benign.

Clinical Genetics DNA and cytogenetics Diagnostics Lab, Erasmus MC, Erasmus Medical Center
Classification: Uncertain significance. Review status: no assertion criteria provided. Collection method: clinical testing. Allele origin: germline. Affected: yes. Study: VKGL Data-share Consensus. Not counted in ClinVar's aggregate classification.

Laboratory of Diagnostic Genome Analysis, Leiden University Medical Center (LUMC)
Classification: Uncertain significance. Review status: no assertion criteria provided. Collection method: clinical testing. Allele origin: germline. Affected: yes. Study: VKGL Data-share Consensus. Not counted in ClinVar's aggregate classification.

Literature cited by the submitters: PubMed 25307757 (cited by Laboratory for Molecular Medicine, Mass General Brigham Personalized Medicine).

NM_033056.4(PCDH15):c.5296_5304dup (p.Pro1768_Pro1769insAlaProPro)

Gene: PCDH15 (protocadherin related 15; minus strand). Cytogenetic location: 10q21.1.
Variant type: Duplication.
Coding change: c.5296_5304dup on transcript NM_033056.4 (MANE Plus Clinical); coding-DNA positions 5296 to 5304, 9 bases duplicated (GCTCCTCCT; older notation c.5296_5304dupGCTCCTCCT).
Protein change: p.Pro1768_Pro1769insAlaProPro.
Molecular consequence: inframe insertion. On other transcripts: intron variant (8).
Genome position (GRCh38, 1-based): chr10:53,822,422-53,822,430, AGGAGGAGC duplicated on the plus strand (GCTCCTCCT on the coding strand, the reverse complement: PCDH15 is on the minus strand); duplicating any 9 consecutive bases within chr10:53,822,422-53,822,431 gives the same sequence; the c. name uses the placement nearest the transcript's 3' end. VCF-style (leftmost placement, unchanged base first): chr10-53822421-G-GAGGAGGAGC. GRCh37 (hg19) VCF-style: chr10-55582181-G-GAGGAGGAGC.
Other names: p.Ala1766_Pro1768dup; c.5296_5304dup (NM_033056.3); c.4367+4963_4367+4971dup (NM_001354420.2); c.4368-4417_4368-4409dup (NM_001354429.2); c.4368-2200_4368-2192dup (NM_001384140.1); c.4373+2706_4373+2714dup (NM_001142772.2, NM_001142770.3); c.4388+2706_4388+2714dup (NM_001142771.2); c.4388+4963_4388+4971dup (NM_001354411.2); and 9 more.
Identifiers: ClinVar variation 46494 (VCV000046494.19), dbSNP rs397517466, ClinGen allele CA138461.